The following is an entry in ClinVar:

ClinVar aggregate classification (germline): Uncertain significance. Review status: criteria provided, multiple submitters, no conflicts (2 of 4 stars). 2 submissions from 2 submitters: Uncertain significance (2). Last evaluated 2023-11-28.

Conditions:
Inborn genetic diseases. Identifiers: MedGen C0950123, MeSH D030342.

Allele frequency attached by ClinVar (database versions not stated): gnomAD 0.00001; gnomAD exomes 0.00001.
gnomAD v4.1: 10 of 1,613,468 alleles (0.00062%); highest among the groups gnomAD compares: East Asian, 0.0045%; no homozygotes.

Submissions (2):

Ambry Genetics
Classification: Uncertain significance for Inborn genetic diseases. Last evaluated: 2023-11-28. Review status: criteria provided, single submitter. Criteria: Ambry Variant Classification Scheme 2023. Collection method: clinical testing. Allele origin: germline.

Labcorp Genetics (formerly Invitae), Labcorp
Classification: Uncertain significance. Last evaluated: 2022-03-23. Review status: criteria provided, single submitter. Criteria: Invitae Variant Classification Sherloc (09022015). Collection method: clinical testing. Allele origin: germline.
Comment: This sequence change replaces alanine, which is neutral and non-polar, with valine, which is neutral and non-polar, at codon 491 of the ITGA6 protein (p.Ala491Val). This variant is present in population databases (no rsID available, gnomAD 0.003%). This variant has not been reported in the literature in individuals affected with ITGA6-related conditions. Algorithms developed to predict the effect of missense changes on protein structure and function (SIFT, PolyPhen-2, Align-GVGD) all suggest that this variant is likely to be tolerated. In summary, the available evidence is currently insufficient to determine the role of this variant in disease. Therefore, it has been classified as a Variant of Uncertain Significance.

NM_000210.4(ITGA6):c.1472C>T (p.Ala491Val)

Genes: ITGA6 (integrin subunit alpha 6; plus strand), PDK1-AS1 (PDK1 and ITGA6 antisense RNA 1; minus strand). Cytogenetic location: 2q31.1.
Variant type: single nucleotide variant.
Coding change: c.1472C>T on transcript NM_000210.4 (MANE Select); coding-DNA position 1472, C replaced by T.
Protein change: p.Ala491Val; replaces alanine 491 with valine.
Molecular consequence: missense variant.
Genome position (GRCh38, 1-based): chr2:172,479,724, C>T. VCF-style: chr2-172479724-C-T. GRCh37 (hg19) VCF-style: chr2-173344452-C-T.
Other names: c.1472C>T, p.Ala491Val (NM_001079818.3, NM_001365529.2, NM_001365530.2); c.1115C>T, p.Ala372Val (NM_001316306.2); c.1589C>T, p.Ala530Val (NM_001394928.1); c.1472C>T (NM_000210.2); short protein forms A491V, A372V, A530V.
Identifiers: ClinVar variation 2010073 (VCV002010073.2), dbSNP rs1324522757, ClinGen allele CA349310852.